The following is an entry in ClinVar:

ClinVar aggregate classification (germline): Uncertain significance (1 of 4 stars; one submission).

Submission:

Labcorp Genetics (formerly Invitae), Labcorp
Classification: Uncertain significance. Last evaluated: 2025-07-30. Review status: criteria provided, single submitter. Criteria: Invitae Variant Classification Sherloc (09022015). Collection method: clinical testing. Allele origin: germline.
Comment: This sequence change replaces phenylalanine, which is neutral and non-polar, with leucine, which is neutral and non-polar, at codon 359 of the KL protein (p.Phe359Leu). This variant is present in population databases (rs763323263, gnomAD 0.01%). This variant has not been reported in the literature in individuals affected with KL-related conditions. ClinVar contains an entry for this variant (Variation ID: 3624504). Invitae Evidence Modeling of protein sequence and biophysical properties (such as structural, functional, and spatial information, amino acid conservation, physicochemical variation, residue mobility, and thermodynamic stability) indicates that this missense variant is not expected to disrupt KL protein function with a negative predictive value of 80%. In summary, the available evidence is currently insufficient to determine the role of this variant in disease. Therefore, it has been classified as a Variant of Uncertain Significance.

NM_004795.4(KL):c.1077C>A (p.Phe359Leu)

Gene: KL (klotho; plus strand). Cytogenetic location: 13q13.1.
Variant type: single nucleotide variant.
Coding change: c.1077C>A on transcript NM_004795.4 (MANE Select); coding-DNA position 1077, C replaced by A.
Protein change: p.Phe359Leu; replaces phenylalanine 359 with leucine.
Molecular consequence: missense variant.
Genome position (GRCh38, 1-based): chr13:33,054,024, C>A. VCF-style: chr13-33054024-C-A. GRCh37 (hg19) VCF-style: chr13-33628161-C-A.
Other names: short protein forms F359L.
Identifiers: ClinVar variation 3624504 (VCV003624504.2).